The following is an entry in ClinVar:

ClinVar aggregate classification (germline): Likely benign (0 of 4 stars; one submission).

Conditions:
NYNRIN-related disorder. Also called: NYNRIN-related condition.

Allele frequency attached by ClinVar (database versions not stated): gnomAD 0.00001; TOPMed 0.00002; ExAC 0.00003.

Submission:

PreventionGenetics, part of Exact Sciences
Classification: Likely benign for NYNRIN-related condition. Last evaluated: 2023-03-15. Review status: no assertion criteria provided. Collection method: clinical testing. Allele origin: germline.
Comment: This variant is classified as likely benign based on ACMG/AMP sequence variant interpretation guidelines (Richards et al. 2015 PMID: 25741868, with internal and published modifications).

NM_025081.3(NYNRIN):c.3411C>G (p.Ala1137=)

Gene: NYNRIN (NYN domain and retroviral integrase containing; plus strand). Cytogenetic location: 14q12.
Variant type: single nucleotide variant.
Coding change: c.3411C>G on transcript NM_025081.3 (MANE Select); coding-DNA position 3411, C replaced by G.
Protein change: p.Ala1137=; no amino-acid change (alanine 1137 retained).
Molecular consequence: synonymous variant.
Genome position (GRCh38, 1-based): chr14:24,415,160, C>G. VCF-style: chr14-24415160-C-G. GRCh37 (hg19) VCF-style: chr14-24884366-C-G.
Identifiers: ClinVar variation 3053942 (VCV003053942.2), dbSNP rs757541061, ClinGen allele CA7137242.